The following is an entry in ClinVar:

NM_016013.4(NDUFAF1):c.532del (p.Thr178fs)

Gene: NDUFAF1 (NADH:ubiquinone oxidoreductase complex assembly factor 1; minus strand). Cytogenetic location: 15q15.1.
Variant type: Deletion.
Coding change: c.532del on transcript NM_016013.4 (MANE Select); coding-DNA position 532, one base deleted (A; older notation c.532delA).
Protein change: p.Thr178fs; shifts the reading frame from threonine 178.
Molecular consequence: frameshift variant. On other transcripts: non-coding transcript variant (1).
Genome position (GRCh38, 1-based): chr15:41,396,528, T deleted on the plus strand (A on the coding strand, the reverse complement: NDUFAF1 is on the minus strand). VCF-style (leftmost placement, unchanged base first): chr15-41396527-GT-G. GRCh37 (hg19) VCF-style: chr15-41688725-GT-G.
Other names: short protein forms T178fs.
Identifiers: ClinVar variation 419281 (VCV000419281.2), dbSNP rs1064793767, ClinGen allele CA16619925.

ClinVar aggregate classification (germline): Pathogenic (1 of 4 stars; one submission).

Allele frequency attached by ClinVar (database versions not stated): gnomAD exomes 0.00001.

Submission:

GeneDx
Classification: Pathogenic. Last evaluated: 2015-07-10. Review status: criteria provided, single submitter. Criteria: GeneDx Variant Classification (06012015). Collection method: clinical testing. Allele origin: germline. Affected: yes.
Comment: The c.532delA deletion in the NDUFAF1 gene causes a frameshift starting with codon Threonine 178,changes this amino acid to a Proline residue and creates a premature Stop codon at position 8 of the new reading frame, denoted p.Thr178ProfsX8. This deletion is predicted to cause loss of normal protein function either through protein truncation or nonsense-mediated mRNA decay. Although this variant has not been previously reported to our knowledge, it is expected to be pathogenic.